The following is an entry in ClinVar:

ClinVar aggregate classification (germline): Conflicting classifications of pathogenicity. Review status: criteria provided, conflicting classifications (1 of 4 stars). 2 submissions from 2 submitters: Uncertain significance (1); Likely benign (1). Last evaluated 2023-03-23.

Conditions:
Hereditary cancer-predisposing syndrome. Also called: Hereditary Cancer Syndrome; Hereditary neoplastic syndrome; Neoplastic Syndromes, Hereditary; Tumor predisposition. Identifiers: Orphanet 140162, MedGen C0027672, MeSH D009386, MONDO:0015356.

Submissions (2):

University of Washington Department of Laboratory Medicine, University of Washington
Classification: Likely benign for Hereditary cancer-predisposing syndrome. Last evaluated: 2023-03-23. Review status: criteria provided, single submitter. Criteria: Dines et al. (Genet Med. 2020). Collection method: curation. Allele origin: germline.
Comment: Missense variant in a coldspot region where missense variants are very unlikely to be pathogenic (PMID:31911673).

BRCA2 exon 11 coldspot. Reclassification based on statistical prior probability.

Ambry Genetics
Classification: Uncertain significance for Hereditary cancer-predisposing syndrome. Last evaluated: 2022-08-30. Review status: criteria provided, single submitter. Criteria: Ambry Variant Classification Scheme 2023. Collection method: clinical testing. Allele origin: germline.
Comment: The p.F1389L variant (also known as c.4165T>C), located in coding exon 10 of the BRCA2 gene, results from a T to C substitution at nucleotide position 4165. The phenylalanine at codon 1389 is replaced by leucine, an amino acid with highly similar properties. This amino acid position is conserved. In addition, this alteration is predicted to be tolerated by in silico analysis. Since supporting evidence is limited at this time, the clinical significance of this alteration remains unclear.

NM_000059.4(BRCA2):c.4165T>C (p.Phe1389Leu)

Gene: BRCA2 (BRCA2 DNA repair associated; plus strand). Cytogenetic location: 13q13.1.
Variant type: single nucleotide variant.
Coding change: c.4165T>C on transcript NM_000059.4 (MANE Select); coding-DNA position 4165, T replaced by C.
Protein change: p.Phe1389Leu; replaces phenylalanine 1389 with leucine.
Molecular consequence: missense variant.
Genome position (GRCh38, 1-based): chr13:32,338,520, T>C. VCF-style: chr13-32338520-T-C. GRCh37 (hg19) VCF-style: chr13-32912657-T-C.
Other names: c.4165T>C, p.Phe1389Leu (NM_001406719.1, NM_001406720.1); short protein forms F1389L.
Identifiers: ClinVar variation 1738370 (VCV001738370.4), dbSNP rs1409088355, ClinGen allele CA387780059.
Genomic context (GRCh38, chr13:32,338,520, plus strand): 5'-TCTGGCCAGTTTATGAAGGAGGGAAACACTCAGATTAAAGAAGATTTGTCAGATTTAACT[T>C]TTTTGGAAGTTGCGAAAGCTCAAGAAGCATGTCATGGTAATACTTCAAATAAAGAACAGT-3'
Protein context (NP_000050.3, residues 1379-1399): QIKEDLSDLT[Phe1389Leu]LEVAKAQEAC